The following is an entry in ClinVar:

NM_000271.5(NPC1):c.2795+1G>C

Gene: NPC1 (NPC intracellular cholesterol transporter 1; minus strand). Cytogenetic location: 18q11.2.
Variant type: single nucleotide variant.
Coding change: c.2795+1G>C on transcript NM_000271.5 (MANE Select); the canonical splice donor site of the intron after coding-DNA position 2795, G replaced by C.
Molecular consequence: splice donor variant.
Genome position (GRCh38, 1-based): chr18:23,539,810, C>G on the plus strand (G>C on the coding strand, the complement: NPC1 is on the minus strand). VCF-style: chr18-23539810-C-G. GRCh37 (hg19) VCF-style: chr18-21119774-C-G.
Identifiers: ClinVar variation 4818058 (VCV004818058.1).

ClinVar aggregate classification (germline): Pathogenic (1 of 4 stars; one submission).

Conditions:
Niemann-Pick disease, type C1. Also called: NIEMANN-PICK DISEASE, VARIANT TYPE C1; NEUROVISCERAL STORAGE DISEASE WITH VERTICAL SUPRANUCLEAR OPHTHALMOPLEGIA; NIEMANN-PICK DISEASE WITH CHOLESTEROL ESTERIFICATION BLOCK; NIEMANN-PICK DISEASE WITHOUT SPHINGOMYELINASE DEFICIENCY; NIEMANN-PICK DISEASE, CHRONIC NEURONOPATHIC FORM. Identifiers: Orphanet 646, MedGen C3179455, MONDO:0009757, OMIM 257220.

Submission:

Natera, Inc.
Classification: Pathogenic for Niemann-Pick disease type C1. Last evaluated: 2024-05-09. Review status: criteria provided, single submitter. Criteria: Natera Variant Classification Schema (03/2026). Collection method: clinical testing. Allele origin: germline.
Comment: The c.2795+1G>C variant in NPC1 is a canonical splice donor site variant predicted to affect pre-mRNA splicing, which may result in an abnormal transcript and altered protein product. This variant is expected to result in nonsense mediated decay, truncation, or a dysfunctional protein product. This variant is rare in the general population with a frequency below the threshold expected for the associated phenotype(s). This variant has been observed in one or more individuals affected with the associated recessive disease, as either homozygous or compound heterozygous with a second variant (PMID: 23430855). Given the available evidence, this variant is classified as Pathogenic.

Literature cited by the submitters: PubMed 23430855.